The following is an entry in ClinVar:

NM_000051.4(ATM):c.2475C>T (p.Phe825=)

Gene: ATM (ATM serine/threonine kinase; plus strand). Cytogenetic location: 11q22.3.
Variant type: single nucleotide variant.
Coding change: c.2475C>T on transcript NM_000051.4 (MANE Select); coding-DNA position 2475, C replaced by T.
Protein change: p.Phe825=; no amino-acid change (phenylalanine 825 retained).
Molecular consequence: synonymous variant.
Genome position (GRCh38, 1-based): chr11:108,267,179, C>T. VCF-style: chr11-108267179-C-T. GRCh37 (hg19) VCF-style: chr11-108137906-C-T.
Other names: c.2475C>T, p.Phe825= (NM_001351834.2).
Identifiers: ClinVar variation 507746 (VCV000507746.19), dbSNP rs776907383, ClinGen allele CA6265047.

ClinVar aggregate classification (germline): Benign/Likely benign. Review status: criteria provided, multiple submitters, no conflicts (2 of 4 stars). 6 submissions from 6 submitters: Benign (1); Likely benign (4). 1 of the submissions does not count toward it. Last evaluated 2026-01-28.

Conditions:
Ataxia-telangiectasia syndrome (AT). Also called: ATAXIA-TELANGIECTASIA, COMPLEMENTATION GROUP A; ATAXIA-TELANGIECTASIA, FRESNO VARIANT; Ataxia-telangiectasia; Ataxia-telangiectasia, complementation group E; Cerebello-oculocutaneous telangiectasia; Immunodeficiency with ataxia telangiectasia. Identifiers: Orphanet 100, MedGen C0004135, MONDO:0008840, OMIM 208900.
Familial cancer of breast. Also called: BREAST CANCER, FAMILIAL; Hereditary breast cancer; hereditary breast carcinoma. Identifiers: Orphanet 227535, MedGen C0346153, MONDO:0016419, OMIM 114480. Disease mechanism: loss of function.
ATM-related disorder. Also called: ATM-related disorders; ATM-related condition.
Hereditary cancer-predisposing syndrome. Also called: Hereditary Cancer Syndrome; Tumor predisposition; Hereditary neoplastic syndrome; Neoplastic Syndromes, Hereditary. Identifiers: Orphanet 140162, MedGen C0027672, MeSH D009386, MONDO:0015356.

Allele frequency attached by ClinVar (database versions not stated): gnomAD exomes below 0.00001 and 0.00001; ExAC 0.00001; gnomAD 0.00001.
gnomAD v4.1: 6 of 1,613,840 alleles (0.00037%); highest among the groups gnomAD compares: East Asian, 0.0022%; no homozygotes.

Submissions (6):

Labcorp Genetics (formerly Invitae), Labcorp
Classification: Likely benign for Ataxia-telangiectasia syndrome. Last evaluated: 2026-01-28. Review status: criteria provided, single submitter. Criteria: Invitae Variant Classification Sherloc (09022015). Collection method: clinical testing. Allele origin: germline.

Ambry Genetics
Classification: Likely benign for Hereditary cancer-predisposing syndrome. Last evaluated: 2025-08-23. Review status: criteria provided, single submitter. Criteria: Ambry Variant Classification Scheme 2023. Collection method: clinical testing. Allele origin: germline.

Blueprint Genetics
Classification: Likely benign. Last evaluated: 2024-11-23. Review status: criteria provided, single submitter. Criteria: ACMG Guidelines, 2015. Collection method: clinical testing. Allele origin: germline.

Myriad Genetics, Inc.
Classification: Benign for Familial cancer of breast. Last evaluated: 2024-05-09. Review status: criteria provided, single submitter. Criteria: Myriad Autosomal Dominant, Autosomal Recessive and X-Linked Classification Criteria (2023). Collection method: clinical testing. Allele origin: unknown.
Comment: This variant is considered benign. This variant is a silent/synonymous amino acid change and it is not expected to impact splicing.

GeneDx
Classification: Likely benign. Last evaluated: 2017-02-28. Review status: criteria provided, single submitter. Criteria: GeneDx Variant Classification (06012015). Collection method: clinical testing. Allele origin: germline. Affected: yes.
Comment: This variant is considered likely benign or benign based on one or more of the following criteria: it is a conservative change, it occurs at a poorly conserved position in the protein, it is predicted to be benign by multiple in silico algorithms, and/or has population frequency not consistent with disease.

PreventionGenetics, part of Exact Sciences
Classification: Likely benign for ATM-related condition. Last evaluated: 2021-06-02. Review status: no assertion criteria provided. Collection method: clinical testing. Allele origin: germline. Not counted in ClinVar's aggregate classification.
Comment: This variant is classified as likely benign based on ACMG/AMP sequence variant interpretation guidelines (Richards et al. 2015 PMID: 25741868, with internal and published modifications).